The following is an entry in ClinVar:

ClinVar aggregate classification (germline): Pathogenic (1 of 4 stars; one submission).

Conditions:
Hereditary nonpolyposis colorectal neoplasms. Identifiers: MedGen C0009405, MeSH D003123.

Submission:

Labcorp Genetics (formerly Invitae), Labcorp
Classification: Pathogenic for Hereditary nonpolyposis colorectal neoplasms. Last evaluated: 2024-02-05. Review status: criteria provided, single submitter. Criteria: Invitae Variant Classification Sherloc (09022015). Collection method: clinical testing. Allele origin: germline.
Comment: This sequence change creates a premature translational stop signal (p.Val890Serfs*16) in the MSH6 gene. It is expected to result in an absent or disrupted protein product. Loss-of-function variants in MSH6 are known to be pathogenic (PMID: 18269114, 24362816). This variant is not present in population databases (gnomAD no frequency). This variant has not been reported in the literature in individuals affected with MSH6-related conditions. For these reasons, this variant has been classified as Pathogenic.

Literature cited by the submitters: PubMed 18269114; PubMed 24362816.

NM_000179.3(MSH6):c.2668del (p.Val890fs)

Gene: MSH6 (mutS homolog 6; plus strand). Cytogenetic location: 2p16.3.
Variant type: Deletion.
Coding change: c.2668del on transcript NM_000179.3 (MANE Select); coding-DNA position 2668, one base deleted (G; older notation c.2668delG).
Protein change: p.Val890fs; shifts the reading frame from valine 890.
Molecular consequence: frameshift variant. On other transcripts: non-coding transcript variant (5), intron variant (3).
Genome position (GRCh38, 1-based): chr2:47,800,651, G deleted; the last of 2 consecutive G bases (chr2:47,800,650-47,800,651); deleting either gives the same sequence. VCF-style (leftmost placement, unchanged base first): chr2-47800649-AG-A. GRCh37 (hg19) VCF-style: chr2-48027788-AG-A.
Other names: c.2278del, p.Val760fs (NM_001281492.2); c.1762del, p.Val588fs (NM_001281493.2, NM_001281494.2, NM_001406811.1 and 6 more transcripts); c.2764del, p.Val922fs (NM_001406795.1, NM_001406802.1); c.2668del, p.Val890fs (NM_001406796.1, NM_001406798.1, NM_001406800.1 and 2 more transcripts); c.2371del, p.Val791fs (NM_001406797.1, NM_001406801.1, NM_001406805.1 and 10 more transcripts); c.2143del, p.Val715fs (NM_001406799.1, NM_001406806.1, NM_001406807.1); c.2590del, p.Val864fs (NM_001406804.1); c.2674del, p.Val892fs (NM_001406813.1); and 4 more; short protein forms V890fs, V588fs, V791fs, V892fs, V715fs, V760fs, V834fs, V864fs.
Identifiers: ClinVar variation 2698898 (VCV002698898.3), dbSNP rs2530685930, ClinGen allele CA2576961636.